The following is an entry in ClinVar:

NM_015602.4(TOR1AIP1):c.274T>A (p.Ser92Thr)

Genes: TOR1AIP1 (torsin 1A interacting protein 1; plus strand), LOC112577517 (Sharpr-MPRA regulatory region 13766; plus strand). Cytogenetic location: 1q25.2.
Variant type: single nucleotide variant.
Coding change: c.274T>A on transcript NM_015602.4 (MANE Select); coding-DNA position 274, T replaced by A.
Protein change: p.Ser92Thr; replaces serine 92 with threonine.
Molecular consequence: missense variant.
Genome position (GRCh38, 1-based): chr1:179,882,776, T>A. VCF-style: chr1-179882776-T-A. GRCh37 (hg19) VCF-style: chr1-179851911-T-A.
Other names: c.274T>A, p.Ser92Thr (NM_001267578.2); c.274T>A (NM_015602.2); short protein forms S92T.
Identifiers: ClinVar variation 476281 (VCV000476281.9), dbSNP rs775375281, ClinGen allele CA1268702.

ClinVar aggregate classification (germline): Uncertain significance. Review status: criteria provided, multiple submitters, no conflicts (2 of 4 stars). 4 submissions from 4 submitters: Uncertain significance (4). Last evaluated 2025-02-08.

Conditions:
Autosomal recessive limb-girdle muscular dystrophy type 2Y (MRRSDC). Also called: Muscular dystrophy, limb-girdle, type 2y; Muscular dystrophy, autosomal recessive, with rigid spine and distal joint contractures. Identifiers: Orphanet 424261, MedGen C4511482, MONDO:0014900, OMIM 617072.
Inborn genetic diseases. Identifiers: MedGen C0950123, MeSH D030342.

Allele frequency attached by ClinVar (database versions not stated): gnomAD 0.00001; gnomAD exomes 0.00001; TOPMed 0.00001; ExAC 0.00002.
gnomAD v4.1: 12 of 1,613,802 alleles (0.00074%); highest among the groups gnomAD compares: Non-Finnish European, 0.001%; no homozygotes.

Submissions (4):

Ambry Genetics
Classification: Uncertain significance for Inborn genetic diseases. Last evaluated: 2025-02-08. Review status: criteria provided, single submitter. Criteria: Ambry Variant Classification Scheme 2023. Collection method: clinical testing. Allele origin: germline.

GeneDx
Classification: Uncertain significance. Last evaluated: 2023-07-10. Review status: criteria provided, single submitter. Criteria: GeneDx Variant Classification Process June 2021. Collection method: clinical testing. Allele origin: germline. Affected: yes.
Comment: Not observed at significant frequency in large population cohorts (gnomAD); In silico analysis supports that this missense variant does not alter protein structure/function; Has not been previously published as pathogenic or benign to our knowledge

Genome-Nilou Lab
Classification: Uncertain significance for Autosomal recessive limb-girdle muscular dystrophy type 2Y. Last evaluated: 2023-04-11. Review status: criteria provided, single submitter. Criteria: ACMG Guidelines, 2015. Collection method: clinical testing. Allele origin: germline. Affected: no.

Labcorp Genetics (formerly Invitae), Labcorp
Classification: Uncertain significance for Autosomal recessive limb-girdle muscular dystrophy type 2Y. Last evaluated: 2022-06-27. Review status: criteria provided, single submitter. Criteria: Invitae Variant Classification Sherloc (09022015). Collection method: clinical testing. Allele origin: germline.
Comment: This sequence change replaces serine, which is neutral and polar, with threonine, which is neutral and polar, at codon 92 of the TOR1AIP1 protein (p.Ser92Thr). This variant is present in population databases (rs775375281, gnomAD 0.003%). This variant has not been reported in the literature in individuals affected with TOR1AIP1-related conditions. ClinVar contains an entry for this variant (Variation ID: 476281). Algorithms developed to predict the effect of missense changes on protein structure and function (SIFT, PolyPhen-2, Align-GVGD) all suggest that this variant is likely to be tolerated. In summary, the available evidence is currently insufficient to determine the role of this variant in disease. Therefore, it has been classified as a Variant of Uncertain Significance.